The following is an entry in ClinVar:

ClinVar aggregate classification (germline): Likely pathogenic. Review status: reviewed by expert panel (3 of 4 stars). 7 submissions from 7 submitters: Likely pathogenic (1). 6 of the submissions do not count toward it. Last evaluated 2026-01-04.

Conditions:
Breast-ovarian cancer, familial, susceptibility to, 1 (BROVCA1). Also called: BRCA1 Hereditary Breast and Ovarian Cancer; OVARIAN CANCER, SUSCEPTIBILITY TO. Identifiers: Orphanet 145, MedGen C2676676, MONDO:0011450, OMIM 604370. Disease mechanism: loss of function.
Hereditary breast ovarian cancer syndrome. Also called: Breast and ovarian cancer; Hereditary breast and ovarian cancer; Hereditary breast and ovarian cancer syndrome; Hereditary breast and/or ovarian cancer syndrome; BRCA1- and BRCA2-Associated Hereditary Breast and Ovarian Cancer; Hereditary breast and ovarian cancer syndrome (HBOC). Identifiers: Orphanet 145, MedGen C0677776, MeSH D061325, MONDO:0003582. Disease mechanism: loss of function.
Hereditary cancer-predisposing syndrome. Also called: Tumor predisposition; Hereditary Cancer Syndrome; Neoplastic Syndromes, Hereditary; Hereditary neoplastic syndrome. Identifiers: Orphanet 140162, MedGen C0027672, MeSH D009386, MONDO:0015356.
BRCA1-related cancer predisposition. Identifiers: MedGen CN377757, MONDO:0700268.

Submissions (8):

ClinGen ENIGMA BRCA1 and BRCA2 Variant Curation Expert Panel, ClinGen
Classification: Likely pathogenic for BRCA1-related cancer predisposition. Last evaluated: 2026-01-04. Review status: reviewed by expert panel. Criteria: CSpec BRCA12ACMG Rules Specifications V1.1. Collection method: curation. Allele origin: germline. Inheritance: Autosomal dominant inheritance.
Comment: The c.5202T>G variant in BRCA1 is a missense variant predicted to cause substitution of Phenylalanine by Leucine at amino acid 1734 (p.(Phe1734Leu)). This variant is absent from gnomAD v2.1 (exomes only, non-cancer subset, read depth ≥25) and gnomAD v3.1 (non-cancer subset, read depth ≥25) (PM2_Supporting met). Reported by two calibrated studies to exhibit protein function similar to pathogenic control variants (PMID:30209399, 35196514) (PS3 met). This BRCA1 missense variant is within a key functional domain and the computational predictor BayesDel (noAF) gives a score of 0.27, indicating impact on BRCA1 function via protein change is unclear (score range 0.15-0.28). A SpliceAI score of 0 predicts no impact on splicing (score threshold <0.10) (no bioinformatic code is applied). A different nucleotide change leading to the same amino acid change (c.5200T>C p.Phe1734Leu, ClinVar Variation ID 125806) is classified as likely pathogenic by the ENIGMA BRCA1/2 VCEP. Splicing prediction revealed no effects on splicing due to either variant. These results suggest that the variant has an impact on protein consistent with pathogenicity (PS1_Moderate (Missense) met). In summary, this variant meets the criteria to be classified as a Likely pathogenic Variant for BRCA1-related cancer predisposition based on the ACMG/AMP criteria applied as specified by the ENIGMA BRCA1/2 VCEP (PM2_Supporting, PS3, PS1_Moderate (Missense)).

Labcorp Genetics (formerly Invitae), Labcorp
Classification: Uncertain significance for Hereditary breast ovarian cancer syndrome. Last evaluated: 2025-02-26. Review status: criteria provided, single submitter. Criteria: Invitae Variant Classification Sherloc (09022015). Collection method: clinical testing. Allele origin: germline. Not counted in ClinVar's aggregate classification.
Comment: This sequence change replaces phenylalanine, which is neutral and non-polar, with leucine, which is neutral and non-polar, at codon 1734 of the BRCA1 protein (p.Phe1734Leu). This variant is not present in population databases (gnomAD no frequency). This missense change has been observed in individual(s) with clinical features of BRCA1-related conditions (PMID: 21520333). ClinVar contains an entry for this variant (Variation ID: 225711). Invitae Evidence Modeling incorporating data from in vitro experimental studies (PMID: 30209399) indicates that this missense variant is expected to disrupt BRCA1 function with a positive predictive value of 95%. Experimental studies have shown that this missense change affects BRCA1 function (PMID: 12496477, 30209399, 35196514). In summary, the available evidence is currently insufficient to determine the role of this variant in disease. Therefore, it has been classified as a Variant of Uncertain Significance.

Hereditary Cancer Laboratory, Hospital Universitario 12 de Octubre
Classification: Likely pathogenic for Hereditary cancer-predisposing syndrome. Last evaluated: 2024-08-18. Review status: criteria provided, single submitter. Criteria: ACMG Guidelines, 2015. Collection method: clinical testing. Allele origin: germline. Not counted in ClinVar's aggregate classification.
Comment: PM2+PS3sup+PP3+PM5

Color Diagnostics, LLC DBA Color Health
Classification: Uncertain significance for Hereditary cancer-predisposing syndrome. Last evaluated: 2024-02-20. Review status: criteria provided, single submitter. Criteria: ACMG Guidelines, 2015. Collection method: clinical testing. Allele origin: germline. Not counted in ClinVar's aggregate classification.
Comment: This missense variant replaces phenylalanine with leucine at codon 1734 of the BRCA1 protein. Computational prediction suggests that this variant may have deleterious impact on protein structure and function (internally defined REVEL score threshold >= 0.7, PMID: 27666373). Functional studies have reported that this variant impacts BRCA1 function in a homology-directed DNA repair assay and in a haploid cell proliferation assay (PMID: 30209399, 35196514). This variant has been reported in one individual affected with breast cancer (PMID: 32091409) and another individual with a personal or family history of breast cancer (PMID: 34072659; LOVD DB-ID: BRCA1_004609). A similar missense variant at this codon, p.Phe1734Ile, has been reported as disease-causing in ClinVar (variation ID: 232047). This variant has not been identified in the general population by the Genome Aggregation Database (gnomAD). Although there is a suspicion that this variant may be associated with disease, additional clinical data is necessary to determine the role of this variant in disease conclusively. Therefore, this variant is classified as a Variant of Uncertain Significance.

Myriad Genetics, Inc.
Classification: Likely pathogenic for Breast-ovarian cancer, familial, susceptibility to, 1. Last evaluated: 2023-06-02. Review status: criteria provided, single submitter. Criteria: Myriad Autosomal Dominant, Autosomal Recessive and X-Linked Classification Criteria (2023). Collection method: clinical testing. Allele origin: unknown. Not counted in ClinVar's aggregate classification.
Comment: This variant is considered likely pathogenic. Functional studies indicate this variant impacts protein function [PMID: 30209399, 35196514].

Ambry Genetics
Classification: Likely pathogenic for Hereditary cancer-predisposing syndrome. Last evaluated: 2021-10-11. Review status: criteria provided, single submitter. Criteria: Ambry Variant Classification Scheme 2023. Collection method: clinical testing. Allele origin: germline. Not counted in ClinVar's aggregate classification.
Comment: The p.F1734L variant (also known as c.5202T>G), located in coding exon 18 of the BRCA1 gene, results from a T to G substitution at nucleotide position 5202. The phenylalanine at codon 1734 is replaced by leucine, an amino acid with highly similar properties. Based on internal structural analysis, F1734L decreases the structure stability (Wu Q et al. Mol Cell, 2016 Feb;61:434-448). One functional study found that this nucleotide substitution is non-functional in a high-throughput, genome editing, haploid cell survival assay (Findlay GM et al. Nature, 2018 10;562:217-222). This amino acid position is highly conserved in available vertebrate species. In addition, this alteration is predicted to be deleterious by in silico analysis. This variant is considered to be rare based on population cohorts in the Genome Aggregation Database (gnomAD). Based on the majority of available evidence to date, this variant is likely to be pathogenic.

Molecular Genetics Laboratory, University of Michigan
Classification: Uncertain significance for Breast-ovarian cancer, familial, susceptibility to, 1. Last evaluated: 2014-11-03. Review status: criteria provided, single submitter. Criteria: ACMG Guidelines, 2015. Collection method: clinical testing. Allele origin: germline. Affected: yes. Not counted in ClinVar's aggregate classification.

Brotman Baty Institute, University of Washington
No classification provided (evidence only). Condition: Breast-ovarian cancer, familial 1. Review status: no classification provided. Collection method: in vitro. Allele origin: not applicable. Functional consequence: functionally_abnormal. Not counted in ClinVar's aggregate classification.
ClinVar note: "not provided" was previously submitted as the classification for the variant. However, the classification appeared to be based only on an observation of functional data so it was converted to no classification on 2025-07-30.

Literature cited by the submitters: PubMed 21520333 (cited by Labcorp Genetics (formerly Invitae), Labcorp); PubMed 30209399 (cited by 4 submitters); PubMed 12496477 (cited by Labcorp Genetics (formerly Invitae), Labcorp); PubMed 35196514 (cited by 3 submitters); PubMed 32091409 (cited by Color Diagnostics, LLC DBA Color Health); PubMed 34072659 (cited by Color Diagnostics, LLC DBA Color Health); PubMed 26778126 (cited by Ambry Genetics).

NM_007294.4(BRCA1):c.5202T>G (p.Phe1734Leu)

Gene: BRCA1 (BRCA1 DNA repair associated; minus strand). Cytogenetic location: 17q21.31.
Variant type: single nucleotide variant.
Coding change: c.5202T>G on transcript NM_007294.4 (MANE Select); coding-DNA position 5202, T replaced by G.
Protein change: p.Phe1734Leu; replaces phenylalanine 1734 with leucine.
Molecular consequence: missense variant. On other transcripts: non-coding transcript variant (1).
Genome position (GRCh38, 1-based): chr17:43,057,127, A>C on the plus strand (T>G on the coding strand, the complement: BRCA1 is on the minus strand). VCF-style: chr17-43057127-A-C. GRCh37 (hg19) VCF-style: chr17-41209144-A-C.
Other names: NM_007294.4(BRCA1):c.5202T>G; p.Phe1734Leu; c.4989T>G, p.Phe1663Leu (NM_001407571.1, NM_001407894.1, NM_001407895.1 and 12 more transcripts); c.5268T>G, p.Phe1756Leu (NM_001407581.1, NM_001407582.1); c.5265T>G, p.Phe1755Leu (NM_001407583.1, NM_001407585.1, NM_001407587.1 and 1 more transcripts); c.5262T>G, p.Phe1754Leu (NM_001407590.1, NM_001407591.1); c.5202T>G, p.Phe1734Leu (NM_001407593.1, NM_001407594.1, NM_001407596.1 and 7 more transcripts); c.5199T>G, p.Phe1733Leu (NM_001407617.1, NM_001407618.1, NM_001407619.1 and 17 more transcripts); and 74 more; short protein forms F1734L, F630L, F1687L, F1755L, F1580L, F1605L, F1607L, F1646L.
Identifiers: ClinVar variation 225711 (VCV000225711.26), dbSNP rs869320780, ClinGen allele CA10576081.